The following is an entry in ClinVar:

NM_004082.5(DCTN1):c.1436G>T (p.Arg479Leu)

Gene: DCTN1 (dynactin subunit 1; minus strand). Cytogenetic location: 2p13.1.
Variant type: single nucleotide variant.
Coding change: c.1436G>T on transcript NM_004082.5 (MANE Select); coding-DNA position 1436, G replaced by T.
Protein change: p.Arg479Leu; replaces arginine 479 with leucine.
Molecular consequence: missense variant. On other transcripts: non-coding transcript variant (1).
Genome position (GRCh38, 1-based): chr2:74,369,448, C>A on the plus strand (G>T on the coding strand, the complement: DCTN1 is on the minus strand). VCF-style: chr2-74369448-C-A. GRCh37 (hg19) VCF-style: chr2-74596575-C-A.
Other names: c.1376G>T, p.Arg459Leu (NM_001135040.3); c.1034G>T, p.Arg345Leu (NM_001135041.3, NM_023019.4); c.1325G>T, p.Arg442Leu (NM_001190836.2); c.1415G>T, p.Arg472Leu (NM_001190837.2); c.1385G>T, p.Arg462Leu (NM_001378991.1); c.1367G>T, p.Arg456Leu (NM_001378992.1); short protein forms R442L, R472L, R479L, R345L, R459L, R462L, R456L.
Identifiers: ClinVar variation 2939122 (VCV002939122.3), dbSNP rs1573159861, ClinGen allele CA347358897.

ClinVar aggregate classification (germline): Uncertain significance (1 of 4 stars; one submission).

Conditions:
Amyotrophic lateral sclerosis type 1 (ALS1). Also called: AMYOTROPHIC LATERAL SCLEROSIS 1, FAMILIAL. Identifiers: Orphanet 803, MedGen C1862939, MONDO:0007103, OMIM 105400.
Neuronopathy, distal hereditary motor, type 7B. Also called: HMN VIIB; LOWER MOTOR NEURON DISEASE, DYNACTIN TYPE; NEURONOPATHY, DISTAL HEREDITARY MOTOR, AUTOSOMAL DOMINANT 14; NEURONOPATHY, DISTAL HEREDITARY MOTOR, HARDING TYPE VIIB; NEUROPATHY, DISTAL HEREDITARY MOTOR, HARDING TYPE VIIB; NEUROPATHY, DISTAL HEREDITARY MOTOR, WITH VOCAL CORD PARALYSIS, HARDING TYPE VIIB. Identifiers: Orphanet 139589, MedGen C1843315, MONDO:0011879, OMIM 607641.
Perry syndrome. Also called: PARKINSONISM WITH ALVEOLAR HYPOVENTILATION AND MENTAL DEPRESSION. Identifiers: Orphanet 178509, MedGen C1868594, MONDO:0008201, OMIM 168605.

gnomAD v4.1: 1 of 1,614,154 alleles (0.000062%); highest among the groups gnomAD compares: African/African-American, 0.0013%; no homozygotes.

Submission:

Labcorp Genetics (formerly Invitae), Labcorp
Classification: Uncertain significance for Amyotrophic lateral sclerosis type 1; Neuronopathy, distal hereditary motor, type 7B; Perry syndrome. Last evaluated: 2023-09-29. Review status: criteria provided, single submitter. Criteria: Invitae Variant Classification Sherloc (09022015). Collection method: clinical testing. Allele origin: germline.
Comment: This variant is not present in population databases (gnomAD no frequency). This variant has not been reported in the literature in individuals affected with DCTN1-related conditions. This sequence change replaces arginine, which is basic and polar, with leucine, which is neutral and non-polar, at codon 479 of the DCTN1 protein (p.Arg479Leu). Advanced modeling of protein sequence and biophysical properties (such as structural, functional, and spatial information, amino acid conservation, physicochemical variation, residue mobility, and thermodynamic stability) performed at Invitae indicates that this missense variant is not expected to disrupt DCTN1 protein function. In summary, the available evidence is currently insufficient to determine the role of this variant in disease. Therefore, it has been classified as a Variant of Uncertain Significance.